The following is an entry in ClinVar:

ClinVar aggregate classification (germline): Likely pathogenic (1 of 4 stars; one submission).

Conditions:
Microphthalmia, syndromic 12 (MCOPS12). Also called: MICROPHTHALMIA WITH OR WITHOUT PULMONARY HYPOPLASIA, DIAPHRAGMATIC HERNIA, AND/OR CARDIAC DEFECTS. Identifiers: Orphanet 2470, Orphanet 689829, MedGen C3809803, MONDO:0014229, OMIM 615524.

Submission:

Victorian Clinical Genetics Services, Murdoch Childrens Research Institute
Classification: Likely pathogenic for Microphthalmia, syndromic 12. Last evaluated: 2021-05-06. Review status: criteria provided, single submitter. Criteria: ACMG Guidelines, 2015. Collection method: clinical testing. Allele origin: germline. Inheritance: Autosomal dominant inheritance. Affected: yes.
Comment: Based on the classification scheme VCGS_Germline_v1.3.4, this variant is classified as Likely pathogenic. Following criteria are met: 0103 - Loss of function and gain of function are known mechanisms of disease in this gene and are associated with syndromic microphthalmia 12 (MIM#615524). A limited number of studies have shown that protein truncating variants result in loss-of-function, while missense variants result in both loss- and gain-of-function (PMIDs: 24075189, 27120018, 31816153). (I) 0108 - This gene is associated with both recessive and dominant disease. Compound heterozygous loss-of-function variants have been reported in two affected siblings while de novo heterozygous missense variants have been reported in unrelated individuals (PMIDs: 24075189, 31816153). (I) 0200 - Variant is predicted to result in a missense amino acid change from aspartic acid to tyrosine. (I) 0251 - This variant is heterozygous. (I) 0301 - Variant is absent from gnomAD (both v2 and v3). (SP) 0501 - Missense variant consistently predicted to be damaging by multiple in silico tools and very highly conserved with a major amino acid change. (SP) 0600 - Variant is located in the annotated nuclear receptor ligand-binding domain (NCBI conserved domain). (I) 0705 - No comparable missense variants have previous evidence for pathogenicity. (I) 0807 - This variant has no previous evidence of pathogenicity. (I) 0905 - No published segregation evidence has been identified for this variant. (I) 1007 - No published functional evidence has been identified for this variant. (I) 1102 - Strong phenotype match for this individual. (SP) Legend: (SP) - Supporting pathogenic, (I) - Information, (SB) - Supporting benign

Literature cited by the submitters: PubMed 24075189; PubMed 27120018; PubMed 31816153.

NM_000965.5(RARB):c.640G>T (p.Asp214Tyr)

Gene: RARB (retinoic acid receptor beta; plus strand). Cytogenetic location: 3p24.2.
Variant type: single nucleotide variant.
Coding change: c.640G>T on transcript NM_000965.5 (MANE Select); coding-DNA position 640, G replaced by T.
Protein change: p.Asp214Tyr; replaces aspartic acid 214 with tyrosine.
Molecular consequence: missense variant. On other transcripts: non-coding transcript variant (2).
Genome position (GRCh38, 1-based): chr3:25,580,576, G>T. VCF-style: chr3-25580576-G-T. GRCh37 (hg19) VCF-style: chr3-25622067-G-T.
Other names: c.661G>T, p.Asp221Tyr (NM_001290216.3); c.304G>T, p.Asp102Tyr (NM_001290217.2, NM_001290276.2, NM_016152.4); c.493G>T, p.Asp165Tyr (NM_001290266.2); c.640G>T, p.Asp214Tyr (NM_001290277.1); c.511G>T, p.Asp171Tyr (NM_001290300.2); short protein forms D165Y, D171Y, D214Y, D221Y, D102Y.
Identifiers: ClinVar variation 3376953 (VCV003376953.1).